The following is an entry in ClinVar:

NM_001110556.2(FLNA):c.1698C>G (p.Phe566Leu)

Gene: FLNA (filamin A; minus strand). Cytogenetic location: Xq28.
Variant type: single nucleotide variant.
Coding change: c.1698C>G on transcript NM_001110556.2 (MANE Select); coding-DNA position 1698, C replaced by G.
Protein change: p.Phe566Leu; replaces phenylalanine 566 with leucine.
Molecular consequence: missense variant.
Genome position (GRCh38, 1-based): chrX:154,364,951, G>C on the plus strand (C>G on the coding strand, the complement: FLNA is on the minus strand). VCF-style: chrX-154364951-G-C. GRCh37 (hg19) VCF-style: chrX-153593319-G-C.
Other names: c.1698C>G, p.Phe566Leu (NM_001456.4); short protein forms F566L.
Identifiers: ClinVar variation 519895 (VCV000519895.8), dbSNP rs781830848, ClinGen allele CA10561094.

ClinVar aggregate classification (germline): Conflicting classifications of pathogenicity. Review status: criteria provided, conflicting classifications (1 of 4 stars). 2 submissions from 2 submitters: Uncertain significance (1); Likely benign (1). Last evaluated 2024-01-29.

Conditions:
Melnick-Needles syndrome (MNS). Also called: MELNICK-NEEDLES OSTEODYSPLASTY; Melnick-Needles Syndrome (FLNA-MNS); OSTEODYSPLASTY OF MELNICK AND NEEDLES. Identifiers: Orphanet 2484, MedGen C0025237, MONDO:0010650, OMIM 309350.
Frontometaphyseal dysplasia (FMD1). Identifiers: Orphanet 1826, MedGen C0265293, MONDO:0015942.
Heterotopia, periventricular, X-linked dominant (PVNH1). Also called: PERIVENTRICULAR NODULAR HETEROTOPIA 4; HETEROTOPIA, PERIVENTRICULAR, 1; PERIVENTRICULAR NODULAR HETEROTOPIA 1; X-linked periventricular heterotopia. Identifiers: Orphanet 2149, Orphanet 82004, MedGen C1848213, MONDO:0010233, OMIM 300049.
Oto-palato-digital syndrome, type II (OPD2). Also called: Otopalatodigital Syndrome Type 2 (FLNA-OPD2); FACIOPALATOOSSEOUS SYNDROME; OPD II SYNDROME; Otopalatodigital Syndrome, Type II. Identifiers: Orphanet 669, Orphanet 90652, MedGen C1844696, MONDO:0010571, OMIM 304120.
Familial thoracic aortic aneurysm and aortic dissection (TAAD). Also called: Thoracic aortic aneurysms and dissections. Identifiers: Orphanet 91387, MedGen C4707243, MONDO:0019625.

gnomAD v4.1: 5 of 1,209,733 alleles (0.00041%); highest among the groups gnomAD compares: Admixed American, 0.0065%; no homozygotes.

Submissions (2):

Labcorp Genetics (formerly Invitae), Labcorp
Classification: Likely benign for Oto-palato-digital syndrome, type II; Heterotopia, periventricular, X-linked dominant; Frontometaphyseal dysplasia; Melnick-Needles syndrome. Last evaluated: 2024-01-29. Review status: criteria provided, single submitter. Criteria: Invitae Variant Classification Sherloc (09022015). Collection method: clinical testing. Allele origin: germline.

Ambry Genetics
Classification: Uncertain significance for Familial thoracic aortic aneurysm and aortic dissection. Last evaluated: 2017-10-17. Review status: criteria provided, single submitter. Criteria: Ambry Variant Classification Scheme 2023. Collection method: clinical testing. Allele origin: germline.
Comment: The p.F566L variant (also known as c.1698C>G), located in coding exon 11 of the FLNA gene, results from a C to G substitution at nucleotide position 1698. The phenylalanine at codon 566 is replaced by leucine, an amino acid with highly similar properties. This amino acid position is well conserved in available vertebrate species. In addition, this alteration is predicted to be tolerated by in silico analysis. Since supporting evidence is limited at this time, the clinical significance of this alteration remains unclear.